The following is an entry in ClinVar:

ClinVar aggregate classification (germline): Uncertain significance. Review status: criteria provided, multiple submitters, no conflicts (2 of 4 stars). 3 submissions from 3 submitters: Uncertain significance (3). Last evaluated 2026-04-07.

Conditions:
Hereditary cancer-predisposing syndrome. Also called: Hereditary neoplastic syndrome; Neoplastic Syndromes, Hereditary; Tumor predisposition; Hereditary Cancer Syndrome. Identifiers: Orphanet 140162, MedGen C0027672, MeSH D009386, MONDO:0015356.
Hereditary nonpolyposis colorectal neoplasms. Identifiers: MedGen C0009405, MeSH D003123.

Submissions (3):

Ambry Genetics
Classification: Uncertain significance for Hereditary cancer-predisposing syndrome. Last evaluated: 2026-04-07. Review status: criteria provided, single submitter. Criteria: Ambry Variant Classification Scheme 2023. Collection method: clinical testing. Allele origin: germline.
Comment: The p.C27Y variant (also known as c.80G>A), located in coding exon 2 of the PMS2 gene, results from a G to A substitution at nucleotide position 80. The cysteine at codon 27 is replaced by tyrosine, an amino acid with highly dissimilar properties. This amino acid position is highly conserved in available vertebrate species. In addition, this alteration is predicted to be deleterious by in silico analysis. Based on the available evidence, the clinical significance of this variant remains unclear.

Color Diagnostics, LLC DBA Color Health
Classification: Uncertain significance for Hereditary cancer-predisposing syndrome. Last evaluated: 2025-03-10. Review status: criteria provided, single submitter. Criteria: ACMG Guidelines, 2015. Collection method: clinical testing. Allele origin: germline.
Comment: This missense variant replaces cysteine with tyrosine at codon 27 of the PMS2 protein. Computational prediction suggests that this variant may have deleterious impact on protein structure and function. To our knowledge, functional studies have not been reported for this variant. This variant has not been reported in individuals affected with PMS2-related disorders in the literature. This variant has not been identified in the general population by the Genome Aggregation Database (gnomAD). The available evidence is insufficient to determine the role of this variant in disease conclusively. Therefore, this variant is classified as a Variant of Uncertain Significance.

Labcorp Genetics (formerly Invitae), Labcorp
Classification: Uncertain significance for Hereditary nonpolyposis colorectal neoplasms. Last evaluated: 2021-12-15. Review status: criteria provided, single submitter. Criteria: Invitae Variant Classification Sherloc (09022015). Collection method: clinical testing. Allele origin: germline.
Comment: ClinVar contains an entry for this variant (Variation ID: 1060289). This variant has not been reported in the literature in individuals affected with PMS2-related conditions. This variant is not present in population databases (gnomAD no frequency). This sequence change replaces cysteine, which is neutral and slightly polar, with tyrosine, which is neutral and polar, at codon 27 of the PMS2 protein (p.Cys27Tyr). In summary, the available evidence is currently insufficient to determine the role of this variant in disease. Therefore, it has been classified as a Variant of Uncertain Significance. Algorithms developed to predict the effect of missense changes on protein structure and function (SIFT, PolyPhen-2, Align-GVGD) all suggest that this variant is likely to be disruptive.

NM_000535.7(PMS2):c.80G>A (p.Cys27Tyr)

Gene: PMS2 (PMS1 homolog 2, mismatch repair system component; minus strand). Cytogenetic location: 7p22.1.
Variant type: single nucleotide variant.
Coding change: c.80G>A on transcript NM_000535.7 (MANE Select); coding-DNA position 80, G replaced by A.
Protein change: p.Cys27Tyr; replaces cysteine 27 with tyrosine.
Molecular consequence: missense variant. On other transcripts: 5 prime UTR variant (8), non-coding transcript variant (1), intron variant (3).
Genome position (GRCh38, 1-based): chr7:6,005,975, C>T on the plus strand (G>A on the coding strand, the complement: PMS2 is on the minus strand). VCF-style: chr7-6005975-C-T. GRCh37 (hg19) VCF-style: chr7-6045606-C-T.
Other names: c.80G>A (NM_000535.5); c.-326G>A (NM_001322003.2, NM_001322005.2, NM_001322009.2 and 1 more transcripts); c.80G>A, p.Cys27Tyr (NM_001322006.2, NM_001322014.2); c.-136G>A (NM_001322007.2); c.-805G>A (NM_001322011.2, NM_001322012.2); c.-405G>A (NM_001322015.2); c.-52-1917G>A (NM_001322008.2); c.-242-1917G>A (NM_001322010.2, NM_001322004.2); short protein forms C27Y.
Identifiers: ClinVar variation 1060289 (VCV001060289.9), dbSNP rs2128845886, ClinGen allele CA366745097.
Genomic context (GRCh38, chr7:6,005,975, plus strand): 5'-AGACTGTTTTCTACTAACTCCTTTACCGCAGTGCTTAGACTCAGTACCACCTGCCCAGAG[C>T]AAATCTGATGGACTGACTTCCGATCAATAGGTTTGATGGCCTTAGCAGGTTCTGTACTAG-3'
Protein context (NP_000526.2, residues 17-37): PIDRKSVHQI[Cys27Tyr]SGQVVLSLST